The following is an entry in ClinVar:

NM_001127222.2(CACNA1A):c.6065G>A (p.Ser2022Asn)

Gene: CACNA1A (calcium voltage-gated channel subunit alpha1 A; minus strand). Cytogenetic location: 19p13.13.
Variant type: single nucleotide variant.
Coding change: c.6065G>A on transcript NM_001127222.2 (MANE Select); coding-DNA position 6065, G replaced by A.
Protein change: p.Ser2022Asn; replaces serine 2022 with asparagine.
Molecular consequence: missense variant.
Genome position (GRCh38, 1-based): chr19:13,212,508, C>T on the plus strand (G>A on the coding strand, the complement: CACNA1A is on the minus strand). VCF-style: chr19-13212508-C-T. GRCh37 (hg19) VCF-style: chr19-13323322-C-T.
Other names: c.6083G>A, p.Ser2028Asn (NM_000068.4, NM_023035.3); c.6068G>A, p.Ser2023Asn (NM_001127221.2); c.6074G>A, p.Ser2025Asn (NM_001174080.2); short protein forms S2022N, S2023N, S2025N, S2028N.
Identifiers: ClinVar variation 1314794 (VCV001314794.5), dbSNP rs2144525162, ClinGen allele CA404333135.
Genomic context (GRCh38, chr19:13,212,508, plus strand): 5'-GTCTTCTGGAACATCTCCTGGGCACGCTGGGTCACCCAGGACGGGCTCTCCTTGAGGCCG[C>T]TTTCGTGAGCCATCCTGCATGGGGGACAGAGGCCGGGGTAGCAGTGGGCGCTTGGGCAGC-3'
Protein context (NP_001120694.1, residues 2012-2032): DPGGALMAHE[Ser2022Asn]GLKESPSWVT

ClinVar aggregate classification (germline): Uncertain significance. Review status: criteria provided, multiple submitters, no conflicts (2 of 4 stars). 2 submissions from 2 submitters: Uncertain significance (2). Last evaluated 2024-12-02.

Conditions:
Episodic ataxia type 2 (EA2). Also called: ATAXIA, EPISODIC, WITH NYSTAGMUS; ATAXIA, FAMILIAL PAROXYSMAL; CEREBELLAR ATAXIA, PAROXYSMAL, ACETAZOLAMIDE-RESPONSIVE; CEREBELLOPATHY, HEREDITARY PAROXYSMAL; EPISODIC ATAXIA, NYSTAGMUS-ASSOCIATED; ACETAZOLAMIDE-RESPONSIVE HEREDITARY PAROXYSMAL CEREBELLAR ATAXIA. Identifiers: Orphanet 97, MedGen C1720416, MONDO:0007163, OMIM 108500.
Developmental and epileptic encephalopathy, 42 (DEE42A). Also called: Epileptic encephalopathy, early infantile, 42; DEVELOPMENTAL AND EPILEPTIC ENCEPHALOPATHY 42A; EPILEPTIC ENCEPHALOPATHY, EARLY INFANTILE, 42A. Identifiers: MedGen C4310716, MONDO:0014917, OMIM 617106.

Submissions (2):

Labcorp Genetics (formerly Invitae), Labcorp
Classification: Uncertain significance for Developmental and epileptic encephalopathy, 42; Episodic ataxia type 2. Last evaluated: 2024-12-02. Review status: criteria provided, single submitter. Criteria: Invitae Variant Classification Sherloc (09022015). Collection method: clinical testing. Allele origin: germline.
Comment: This sequence change replaces serine, which is neutral and polar, with asparagine, which is neutral and polar, at codon 2023 of the CACNA1A protein (p.Ser2023Asn). This variant is not present in population databases (gnomAD no frequency). This variant has not been reported in the literature in individuals affected with CACNA1A-related conditions. ClinVar contains an entry for this variant (Variation ID: 1314794). Invitae Evidence Modeling of protein sequence and biophysical properties (such as structural, functional, and spatial information, amino acid conservation, physicochemical variation, residue mobility, and thermodynamic stability) indicates that this missense variant is not expected to disrupt CACNA1A protein function with a negative predictive value of 95%. In summary, the available evidence is currently insufficient to determine the role of this variant in disease. Therefore, it has been classified as a Variant of Uncertain Significance.

GeneDx
Classification: Uncertain significance. Last evaluated: 2021-04-19. Review status: criteria provided, single submitter. Criteria: GeneDx Variant Classification Process June 2021. Collection method: clinical testing. Allele origin: germline. Affected: yes.
Comment: Not observed in large population cohorts (Lek et al., 2016); In silico analysis supports that this missense variant does not alter protein structure/function; Has not been previously published as pathogenic or benign to our knowledge